The following is an entry in ClinVar:

ClinVar aggregate classification (germline): Uncertain significance. Review status: criteria provided, multiple submitters, no conflicts (2 of 4 stars). 3 submissions from 3 submitters: Uncertain significance (3). Last evaluated 2023-07-13.

Conditions:
Emery-Dreifuss muscular dystrophy 4, autosomal dominant (EDMD4). Also called: EMERY-DREIFUSS MUSCULAR DYSTROPHY 4 WITH VARIABLE FEATURES. Identifiers: Orphanet 261, MedGen C2751807, MONDO:0013071, OMIM 612998.
Autosomal recessive ataxia, Beauce type. Also called: SYNE1-Related Autosomal Recessive Cerebellar Ataxia; ATAXIA, RECESSIVE, OF BEAUCE; Spinocerebellar ataxia, autosomal recessive 8; SYNE1 Deficiency. Identifiers: Orphanet 88644, MedGen C1853116, MONDO:0012549, OMIM 610743.

Allele frequency attached by ClinVar (database versions not stated): TOPMed 0.00002; 1000 Genomes Project 30x 0.00016; gnomAD 0.00002.
gnomAD v4.1: 21 of 1,614,142 alleles (0.0013%); highest among the groups gnomAD compares: East Asian, 0.047%; no homozygotes.

Submissions (3):

Women's Health and Genetics/Laboratory Corporation of America, LabCorp
Classification: Uncertain significance. Last evaluated: 2023-07-13. Review status: criteria provided, single submitter. Criteria: LabCorp Variant Classification Summary - May 2015. Collection method: clinical testing. Allele origin: germline.
Comment: Variant summary: SYNE1 c.14122G>T (p.Ala4708Ser) results in a conservative amino acid change in the encoded protein sequence. Three of four in-silico tools predict a benign effect of the variant on protein function. The variant allele was found at a frequency of 6.4e-05 in 251432 control chromosomes, predominantly at a frequency of 0.00087 within the East Asian subpopulation in the gnomAD database. To our knowledge, no occurrence of c.14122G>T in individuals affected with Emery-Dreifuss Muscular Dystrophy or other SYNE1-related disorders and no experimental evidence demonstrating its impact on protein function have been reported. Two submitters have cited clinical-significance assessments for this variant to ClinVar after 2014 and both classified the variant as uncertain significance. Based on the evidence outlined above, the variant was classified as uncertain significance.

Labcorp Genetics (formerly Invitae), Labcorp
Classification: Uncertain significance for Emery-Dreifuss muscular dystrophy 4, autosomal dominant; Autosomal recessive ataxia, Beauce type. Last evaluated: 2022-03-20. Review status: criteria provided, single submitter. Criteria: Invitae Variant Classification Sherloc (09022015). Collection method: clinical testing. Allele origin: germline.
Comment: This sequence change replaces alanine, which is neutral and non-polar, with serine, which is neutral and polar, at codon 4708 of the SYNE1 protein (p.Ala4708Ser). This variant is present in population databases (rs368490158, gnomAD 0.09%). This variant has not been reported in the literature in individuals affected with SYNE1-related conditions. ClinVar contains an entry for this variant (Variation ID: 212337). Algorithms developed to predict the effect of missense changes on protein structure and function are either unavailable or do not agree on the potential impact of this missense change (SIFT: "Deleterious"; PolyPhen-2: "Benign"; Align-GVGD: "Class C15"). In summary, the available evidence is currently insufficient to determine the role of this variant in disease. Therefore, it has been classified as a Variant of Uncertain Significance.

Genetic Services Laboratory, University of Chicago
Classification: Uncertain significance. Last evaluated: 2015-04-10. Review status: criteria provided, single submitter. Criteria: ACMG Guidelines, 2015. Collection method: clinical testing. Allele origin: germline.

NM_182961.4(SYNE1):c.14335G>T (p.Ala4779Ser)

Gene: SYNE1 (spectrin repeat containing nuclear envelope protein 1; minus strand). Cytogenetic location: 6q25.2.
Variant type: single nucleotide variant.
Coding change: c.14335G>T on transcript NM_182961.4 (MANE Select); coding-DNA position 14335, G replaced by T.
Protein change: p.Ala4779Ser; replaces alanine 4779 with serine.
Molecular consequence: missense variant.
Genome position (GRCh38, 1-based): chr6:152,330,350, C>A on the plus strand (G>T on the coding strand, the complement: SYNE1 is on the minus strand). VCF-style: chr6-152330350-C-A. GRCh37 (hg19) VCF-style: chr6-152651485-C-A.
Other names: c.14122G>T (NM_033071.3); c.14122G>T, p.Ala4708Ser (NM_033071.5); short protein forms A4708S, A4779S.
Identifiers: ClinVar variation 212337 (VCV000212337.13), dbSNP rs368490158, ClinGen allele CA207571.
Genomic context (GRCh38, chr6:152,330,350, plus strand): 5'-CTTTTACAGACTTCAGTTGTCTCTCCAGCTGTTGGCACATCTTCTCGTGTTCTTGGTAAG[C>A]ACTGGTGGTGTCTTCTAATAAGCTAACCCTCTGTTCTGTTTGTCGCTTCAGCCTGTGATA-3'
Protein context (NP_892006.3, residues 4769-4789): RVSLLEDTTS[Ala4779Ser]YQEHEKMCQQ